The following is an entry in ClinVar:

ClinVar aggregate classification (germline): Uncertain significance (1 of 4 stars; one submission).

gnomAD v4.1: 2 of 1,610,796 alleles (0.00012%); highest among the groups gnomAD compares: Non-Finnish European, 0.00017%; no homozygotes.

Submission:

Laboratorio de Genetica e Diagnostico Molecular, Hospital Israelita Albert Einstein
Classification: Uncertain significance. Last evaluated: 2020-01-22. Review status: criteria provided, single submitter. Criteria: ACMG Guidelines, 2015. Collection method: clinical testing. Allele origin: germline. Affected: yes.
Comment: ACMG classification criteria: PM2

NM_015275.3(WASHC4):c.1367C>T (p.Thr456Ile)

Gene: WASHC4 (WASH complex subunit 4; plus strand). Cytogenetic location: 12q23.3.
Variant type: single nucleotide variant.
Coding change: c.1367C>T on transcript NM_015275.3 (MANE Select); coding-DNA position 1367, C replaced by T.
Protein change: p.Thr456Ile; replaces threonine 456 with isoleucine.
Molecular consequence: missense variant.
Genome position (GRCh38, 1-based): chr12:105,137,926, C>T. VCF-style: chr12-105137926-C-T. GRCh37 (hg19) VCF-style: chr12-105531704-C-T.
Other names: c.1370C>T, p.Thr457Ile (NM_001293640.2); short protein forms T456I, T457I.
Identifiers: ClinVar variation 1690780 (VCV001690780.2), dbSNP rs199808357, ClinGen allele CA242636258.
Genomic context (GRCh38, chr12:105,137,926, plus strand): 5'-ATCAATGTTTTCCTTTACAGGGCTTCTTGTATGCATATAGTATTAGTACCATTATTAAAA[C>T]CACAATGAATCTCTACATGTCCATGCAAAAGCCAATGACCAAAACCTCAGTTAAGGCATT-3'
Protein context (NP_056090.1, residues 446-466): YAYSISTIIK[Thr456Ile]TMNLYMSMQK